The following is an entry in ClinVar:

ClinVar aggregate classification (germline): Uncertain significance (1 of 4 stars; one submission).

Conditions:
Inborn genetic diseases. Identifiers: MedGen C0950123, MeSH D030342.

Submission:

Ambry Genetics
Classification: Uncertain significance for Inborn genetic diseases. Last evaluated: 2025-09-22. Review status: criteria provided, single submitter. Criteria: Ambry Variant Classification Scheme 2023. Collection method: clinical testing. Allele origin: germline.
Comment: The p.E1042A variant (also known as c.3125A>C), located in coding exon 1 of the SAMD9 gene, results from an A to C substitution at nucleotide position 3125. The glutamic acid at codon 1042 is replaced by alanine, an amino acid with dissimilar properties. This amino acid position is conserved. In addition, this alteration is predicted to be tolerated by in silico analysis. Based on the available evidence, the clinical significance of this variant remains unclear.

NM_017654.4(SAMD9):c.3125A>C (p.Glu1042Ala)

Gene: SAMD9 (sterile alpha motif domain containing 9; minus strand). Cytogenetic location: 7q21.2.
Variant type: single nucleotide variant.
Coding change: c.3125A>C on transcript NM_017654.4 (MANE Select); coding-DNA position 3125, A replaced by C.
Protein change: p.Glu1042Ala; replaces glutamic acid 1042 with alanine.
Molecular consequence: missense variant.
Genome position (GRCh38, 1-based): chr7:93,102,973, T>G on the plus strand (A>C on the coding strand, the complement: SAMD9 is on the minus strand). VCF-style: chr7-93102973-T-G. GRCh37 (hg19) VCF-style: chr7-92732286-T-G.
Other names: c.3125A>C, p.Glu1042Ala (NM_001193307.2); short protein forms E1042A.
Identifiers: ClinVar variation 4629815 (VCV004629815.1).
Genomic context (GRCh38, chr7:93,102,973, plus strand): 5'-TCATCTTTATGTAATGCTTCAATAAATGGGGAAAACCAATTTCCTGTTTCACCTTCATGT[T>G]CATCGCGGTGTCTTGTGAGTAGGAGTGTGTGCATATCTTGCAAAAATTTACTTTTTCCCA-3'
Protein context (NP_060124.2, residues 1032-1052): HTLLLTRHRD[Glu1042Ala]HEGETGNWFS